The following is an entry in ClinVar:

ClinVar aggregate classification (germline): Uncertain significance. Review status: criteria provided, multiple submitters, no conflicts (2 of 4 stars). 3 submissions from 3 submitters: Uncertain significance (3). Last evaluated 2026-06-03.

Conditions:
A2ML1-related disorder. Also called: A2ML1-related condition.

Submissions (3):

PreventionGenetics, part of Exact Sciences
Classification: Uncertain significance for A2ML1-related condition. Last evaluated: 2026-06-03. Review status: criteria provided, single submitter. Criteria: ACMG Guidelines, 2015. Collection method: clinical testing. Allele origin: germline.
Comment: The A2ML1 c.1789_1790delAG variant is predicted to result in a frameshift and premature protein termination (p.Ser597Cysfs*5). To our knowledge, this variant has not been reported in the literature. This variant is reported in 0.046% of alleles in individuals of East Asian descent in gnomAD. At this time, the clinical significance of this variant is uncertain due to the absence of conclusive functional and genetic evidence.

Labcorp Genetics (formerly Invitae), Labcorp
Classification: Uncertain significance. Last evaluated: 2024-07-15. Review status: criteria provided, single submitter. Criteria: Invitae Variant Classification Sherloc (09022015). Collection method: clinical testing. Allele origin: germline.
Comment: This sequence change creates a premature translational stop signal (p.Ser597Cysfs*5) in the A2ML1 gene. It is expected to result in an absent or disrupted protein product. However, the current clinical and genetic evidence is not sufficient to establish whether loss-of-function variants in A2ML1 cause disease. This variant is present in population databases (rs779516620, gnomAD 0.05%). This variant has not been reported in the literature in individuals affected with A2ML1-related conditions. In summary, the available evidence is currently insufficient to determine the role of this variant in disease. Therefore, it has been classified as a Variant of Uncertain Significance.

Women's Health and Genetics/Laboratory Corporation of America, LabCorp
Classification: Uncertain significance. Last evaluated: 2022-08-22. Review status: criteria provided, single submitter. Criteria: LabCorp Variant Classification Summary - May 2015. Collection method: clinical testing. Allele origin: germline.
Comment: Variant summary: A2ML1 c.1789_1790delAG (p.Ser597CysfsX5) results in a premature termination codon, predicted to cause a truncation of the encoded protein or absence of the protein due to nonsense mediated decay, which are commonly known mechanisms for disease. The variant allele was found at a frequency of 2.8e-05 in 248862 control chromosomes. The available data on variant occurrences in the general population are insufficient to allow any conclusion about variant significance. To our knowledge, no occurrence of c.1789_1790delAG in individuals affected with Noonan Syndrome and no experimental evidence demonstrating its impact on protein function have been reported. One clinical diagnostic laboratory has submitted clinical-significance assessments for this variant to ClinVar after 2014 without evidence for independent evaluation and classified the variant as uncertain significance. Based on the evidence outlined above, the variant was classified as uncertain significance.

NM_144670.6(A2ML1):c.1789_1790del (p.Ser597fs)

Gene: A2ML1 (alpha-2-macroglobulin like 1; plus strand). Cytogenetic location: 12p13.31.
Variant type: Microsatellite.
Coding change: c.1789_1790del on transcript NM_144670.6 (MANE Select); coding-DNA positions 1789 to 1790, 2 bases deleted (AG; older notation c.1789_1790delAG).
Protein change: p.Ser597fs; shifts the reading frame from serine 597.
Molecular consequence: frameshift variant.
Genome position (GRCh38, 1-based): chr12:8,847,654-8,847,655, AG deleted; deleting any 2 consecutive bases within chr12:8,847,651-8,847,655 gives the same sequence; the c. name uses the placement nearest the transcript's 3' end. VCF-style (leftmost placement, unchanged base first): chr12-8847650-TGA-T. GRCh37 (hg19) VCF-style: chr12-9000246-TGA-T.
Other names: c.316_317del, p.Ser106fs (NM_001282424.3); short protein forms S106fs, S597fs.
Identifiers: ClinVar variation 1016068 (VCV001016068.8), dbSNP rs779516620, ClinGen allele CA6435816.